The following is an entry in ClinVar:

NM_020921.4(NIN):c.187C>T (p.His63Tyr)

Gene: NIN (ninein; minus strand). Cytogenetic location: 14q22.1.
Variant type: single nucleotide variant.
Coding change: c.187C>T on transcript NM_020921.4 (MANE Select); coding-DNA position 187, C replaced by T.
Protein change: p.His63Tyr; replaces histidine 63 with tyrosine.
Molecular consequence: missense variant.
Genome position (GRCh38, 1-based): chr14:50,806,815, G>A on the plus strand (C>T on the coding strand, the complement: NIN is on the minus strand). VCF-style: chr14-50806815-G-A. GRCh37 (hg19) VCF-style: chr14-51273533-G-A.
Other names: c.187C>T, p.His63Tyr (NM_016350.5, NM_182944.3, NM_182946.2); c.187C>T (NM_020921.3); short protein forms H63Y.
Identifiers: ClinVar variation 2704289 (VCV002704289.4), dbSNP rs752872159, ClinGen allele CA7182559.

ClinVar aggregate classification (germline): Uncertain significance. Review status: criteria provided, multiple submitters, no conflicts (2 of 4 stars). 2 submissions from 2 submitters: Uncertain significance (2). Last evaluated 2025-11-06.

Allele frequency attached by ClinVar (database versions not stated): gnomAD 0.00003; ExAC 0.00004; gnomAD exomes 0.00002; TOPMed 0.00002.
gnomAD v4.1: 32 of 1,468,114 alleles (0.0022%); highest among the groups gnomAD compares: South Asian, 0.03%; no homozygotes.

Submissions (2):

Ambry Genetics
Classification: Uncertain significance. Last evaluated: 2025-11-06. Review status: criteria provided, single submitter. Criteria: Ambry Variant Classification Scheme 2023. Collection method: clinical testing. Allele origin: germline.

Labcorp Genetics (formerly Invitae), Labcorp
Classification: Uncertain significance. Last evaluated: 2023-11-13. Review status: criteria provided, single submitter. Criteria: Invitae Variant Classification Sherloc (09022015). Collection method: clinical testing. Allele origin: germline.
Comment: This sequence change replaces histidine, which is basic and polar, with tyrosine, which is neutral and polar, at codon 63 of the NIN protein (p.His63Tyr). This variant is present in population databases (rs752872159, gnomAD 0.04%). This variant has not been reported in the literature in individuals affected with NIN-related conditions. Algorithms developed to predict the effect of missense changes on protein structure and function output the following: SIFT: "Not Available"; PolyPhen-2: "Benign"; Align-GVGD: "Not Available". The tyrosine amino acid residue is found in multiple mammalian species, which suggests that this missense change does not adversely affect protein function. In summary, the available evidence is currently insufficient to determine the role of this variant in disease. Therefore, it has been classified as a Variant of Uncertain Significance.